The following is an entry in ClinVar:

NM_001034853.2(RPGR):c.3200_3218dup (p.Glu1075fs)

Gene: RPGR (retinitis pigmentosa GTPase regulator; minus strand). Cytogenetic location: Xp11.4.
Variant type: Duplication.
Coding change: c.3200_3218dup on transcript NM_001034853.2 (MANE Select); coding-DNA positions 3200 to 3218, 19 bases duplicated (GGAAGTATCAGGAGACAGG).
Protein change: p.Glu1075fs; shifts the reading frame from glutamic acid 1075.
Molecular consequence: frameshift variant. On other transcripts: intron variant (8).
Genome position (GRCh38, 1-based): chrX:38,285,781-38,285,799, CCTGTCTCCTGATACTTCC duplicated on the plus strand (GGAAGTATCAGGAGACAGG on the coding strand, the reverse complement: RPGR is on the minus strand); duplicating any 19 consecutive bases within chrX:38,285,781-38,285,802 gives the same sequence; the c. name uses the placement nearest the transcript's 3' end. VCF-style (leftmost placement, unchanged base first): chrX-38285780-G-GCCTGTCTCCTGATACTTCC. GRCh37 (hg19) VCF-style: chrX-38145033-G-GCCTGTCTCCTGATACTTCC.
Other names: c.1569+5160_1569+5178dup (NM_001367249.1, NM_001367250.1); c.1902+1295_1902+1313dup (NM_001367245.1); c.1386+5160_1386+5178dup (NM_001367251.1); c.1719+1295_1719+1313dup (NM_001367246.1); c.1572+5160_1572+5178dup (NM_001367247.1); c.1905+1295_1905+1313dup (NM_000328.3); c.1602+5160_1602+5178dup (NM_001367248.1); short protein forms E1075fs.
Identifiers: ClinVar variation 1685426 (VCV001685426.2), dbSNP rs2147190484, ClinGen allele CA2573158771.

ClinVar aggregate classification (germline): Likely pathogenic. Review status: reviewed by expert panel (3 of 4 stars). 2 submissions from 2 submitters: Likely pathogenic (1). 1 of the submissions does not count toward it. Last evaluated 2026-10-30.

Conditions:
Retinitis pigmentosa 3. Also called: CHOROIDORETINAL DEGENERATION WITH RETINAL REFLEX IN HETEROZYGOUS WOMEN. Identifiers: Orphanet 791, MedGen C1845667, MONDO:0010227, OMIM 300029.
RPGR-related retinopathy. Also called: RPGR retinopathy. Identifiers: MedGen CN305589, MONDO:0100437.

Submissions (2):

ClinGen X-linked Inherited Retinal Disease Variant Curation Expert Panel, ClinGen
Classification: Likely pathogenic for RPGR-related retinopathy. Last evaluated: 2026-10-30. Review status: reviewed by expert panel. Criteria: ClinGen X LinkedIRD ACMG Specifications RPGR V1.0.0. Collection method: curation. Allele origin: germline. Inheritance: X-linked inheritance.
Comment: NM_001034853.2(RPGR):c.3200_3218dup (p.Glu1075ValfsTer10) is a frameshift variant in codon 1075 within exon 15 of 15, which is predicted to disrupt a critical C-terminal region required for proper glutamylation of RPGR (PVS1, PMID: 36445968). This variant is absent from gnomAD v4.1.2 (PM2_Supporting). This variant has been reported in at least 1 proband (PMID: 37217489). However, the number of individuals meeting the PS4 requirement of some functional vision impairment in affected males by age 30 years, with decreased or absent cone and/or rod electroretinogram responses was fewer than the requirement of at least 2 unrelated probands, so PS4_Supporting was not met. In summary, this variant is classified as Likely Pathogenic for RPGR-related retinopathy based on the ClinGen X-linked Inherited Retinal Disease Expert Panel Specifications to the ACMG/AMP Variant Interpretation Guidelines for RPGR Version 1.0.0: PVS1, and PM2_Supporting.

Mendelics
Classification: Likely pathogenic for Retinitis pigmentosa 3. Last evaluated: 2022-05-04. Review status: criteria provided, single submitter. Criteria: Mendelics Assertion Criteria 2019. Collection method: clinical testing. Allele origin: germline. Not counted in ClinVar's aggregate classification.